The following is an entry in ClinVar:

NM_004655.4(AXIN2):c.589C>T (p.Leu197Phe)

Gene: AXIN2 (axin 2; minus strand). Cytogenetic location: 17q24.1.
Variant type: single nucleotide variant.
Coding change: c.589C>T on transcript NM_004655.4 (MANE Select); coding-DNA position 589, C replaced by T.
Protein change: p.Leu197Phe; replaces leucine 197 with phenylalanine.
Molecular consequence: missense variant.
Genome position (GRCh38, 1-based): chr17:65,558,032, G>A on the plus strand (C>T on the coding strand, the complement: AXIN2 is on the minus strand). VCF-style: chr17-65558032-G-A. GRCh37 (hg19) VCF-style: chr17-63554150-G-A.
Other names: c.589C>T (LRG_296t1); c.589C>T, p.Leu197Phe (NM_001363813.1); short protein forms L197F.
Identifiers: ClinVar variation 660871 (VCV000660871.10), dbSNP rs1598119374, ClinGen allele CA400680772.

ClinVar aggregate classification (germline): Uncertain significance. Review status: criteria provided, multiple submitters, no conflicts (2 of 4 stars). 2 submissions from 2 submitters: Uncertain significance (2). Last evaluated 2025-06-05.

Conditions:
Oligodontia-cancer predisposition syndrome. Also called: TOOTH AGENESIS-COLORECTAL CANCER SYNDROME. Identifiers: Orphanet 300576, MedGen C1837750, MONDO:0012075, OMIM 608615. Disease mechanism: loss of function.
Hereditary cancer-predisposing syndrome. Also called: Neoplastic Syndromes, Hereditary; Tumor predisposition; Hereditary neoplastic syndrome; Hereditary Cancer Syndrome. Identifiers: Orphanet 140162, MedGen C0027672, MeSH D009386, MONDO:0015356.

Allele frequency attached by ClinVar (database versions not stated): gnomAD exomes below 0.00001; gnomAD 0.00001.
gnomAD v4.1: 8 of 1,613,826 alleles (0.0005%); highest among the groups gnomAD compares: Non-Finnish European, 0.00051%; no homozygotes.

Submissions (2):

Labcorp Genetics (formerly Invitae), Labcorp
Classification: Uncertain significance for Oligodontia-cancer predisposition syndrome. Last evaluated: 2025-06-05. Review status: criteria provided, single submitter. Criteria: Invitae Variant Classification Sherloc (09022015). Collection method: clinical testing. Allele origin: germline.
Comment: This sequence change replaces leucine, which is neutral and non-polar, with phenylalanine, which is neutral and non-polar, at codon 197 of the AXIN2 protein (p.Leu197Phe). This variant is not present in population databases (gnomAD no frequency). This variant has not been reported in the literature in individuals affected with AXIN2-related conditions. ClinVar contains an entry for this variant (Variation ID: 660871). Invitae Evidence Modeling of protein sequence and biophysical properties (such as structural, functional, and spatial information, amino acid conservation, physicochemical variation, residue mobility, and thermodynamic stability) indicates that this missense variant is expected to disrupt AXIN2 protein function with a positive predictive value of 80%. In summary, the available evidence is currently insufficient to determine the role of this variant in disease. Therefore, it has been classified as a Variant of Uncertain Significance.

Ambry Genetics
Classification: Uncertain significance for Hereditary cancer-predisposing syndrome. Last evaluated: 2023-07-03. Review status: criteria provided, single submitter. Criteria: Ambry Variant Classification Scheme 2023. Collection method: clinical testing. Allele origin: germline.
Comment: The p.L197F variant (also known as c.589C>T), located in coding exon 1 of the AXIN2 gene, results from a C to T substitution at nucleotide position 589. The leucine at codon 197 is replaced by phenylalanine, an amino acid with highly similar properties. This amino acid position is conserved. In addition, the in silico prediction for this alteration is inconclusive. Since supporting evidence is limited at this time, the clinical significance of this alteration remains unclear.